The following is an entry in ClinVar:

NM_000812.4(GABRB1):c.1054A>G (p.Asn352Asp)

Gene: GABRB1 (gamma-aminobutyric acid type A receptor subunit beta1; plus strand). Cytogenetic location: 4p12.
Variant type: single nucleotide variant.
Coding change: c.1054A>G on transcript NM_000812.4 (MANE Select); coding-DNA position 1054, A replaced by G.
Protein change: p.Asn352Asp; replaces asparagine 352 with aspartic acid.
Molecular consequence: missense variant.
Genome position (GRCh38, 1-based): chr4:47,406,900, A>G. VCF-style: chr4-47406900-A-G. GRCh37 (hg19) VCF-style: chr4-47408917-A-G.
Other names: short protein forms N352D.
Identifiers: ClinVar variation 1396015 (VCV001396015.6), dbSNP rs2110055196, ClinGen allele CA356811993.
Genomic context (GRCh38, chr4:47,406,900, plus strand): 5'-TTTGGGAAAGGCCCTCAGAAAAAGGGAGCTAGCAAACAAGACCAGAGTGCCAATGAGAAG[A>G]ATAAACTGGAGATGAATAAAGTCCAGGTAAGATATTAAATATTCCTAACAATATTCTTGT-3'
Protein context (NP_000803.2, residues 342-362): SKQDQSANEK[Asn352Asp]KLEMNKVQVD

ClinVar aggregate classification (germline): Uncertain significance (1 of 4 stars; one submission).

Submission:

Labcorp Genetics (formerly Invitae), Labcorp
Classification: Uncertain significance. Last evaluated: 2024-03-14. Review status: criteria provided, single submitter. Criteria: Invitae Variant Classification Sherloc (09022015). Collection method: clinical testing. Allele origin: germline.
Comment: This sequence change replaces asparagine, which is neutral and polar, with aspartic acid, which is acidic and polar, at codon 352 of the GABRB1 protein (p.Asn352Asp). This variant is not present in population databases (gnomAD no frequency). This variant has not been reported in the literature in individuals affected with GABRB1-related conditions. ClinVar contains an entry for this variant (Variation ID: 1396015). Advanced modeling of protein sequence and biophysical properties (such as structural, functional, and spatial information, amino acid conservation, physicochemical variation, residue mobility, and thermodynamic stability) performed at Invitae indicates that this missense variant is not expected to disrupt GABRB1 protein function with a negative predictive value of 95%. In summary, the available evidence is currently insufficient to determine the role of this variant in disease. Therefore, it has been classified as a Variant of Uncertain Significance.